The following is an entry in ClinVar:

ClinVar aggregate classification (germline): Uncertain significance (1 of 4 stars; one submission).

Conditions:
Cardiovascular phenotype. Identifiers: MedGen CN230736.

gnomAD v4.1: 3 of 1,609,210 alleles (0.00019%); highest among the groups gnomAD compares: Non-Finnish European, 0.00025%; no homozygotes.

Submission:

Ambry Genetics
Classification: Uncertain significance for Cardiovascular phenotype. Last evaluated: 2024-10-28. Review status: criteria provided, single submitter. Criteria: Ambry Variant Classification Scheme 2023. Collection method: clinical testing. Allele origin: germline.
Comment: The p.Q28H variant (also known as c.84G>T), located in coding exon 1 of the FKRP gene, results from a G to T substitution at nucleotide position 84. The glutamine at codon 28 is replaced by histidine, an amino acid with highly similar properties. This amino acid position is conserved. In addition, the in silico prediction for this alteration is inconclusive. Based on the available evidence, the clinical significance of this variant remains unclear.

NM_024301.5(FKRP):c.84G>T (p.Gln28His)

Gene: FKRP (fukutin related protein; plus strand). Cytogenetic location: 19q13.32.
Variant type: single nucleotide variant.
Coding change: c.84G>T on transcript NM_024301.5 (MANE Select); coding-DNA position 84, G replaced by T.
Protein change: p.Gln28His; replaces glutamine 28 with histidine.
Molecular consequence: missense variant.
Genome position (GRCh38, 1-based): chr19:46,755,534, G>T. VCF-style: chr19-46755534-G-T. GRCh37 (hg19) VCF-style: chr19-47258791-G-T.
Other names: c.84G>T, p.Gln28His (NM_001039885.3); short protein forms Q28H.
Identifiers: ClinVar variation 3515577 (VCV003515577.1).